The following is an entry in ClinVar:

ClinVar aggregate classification (germline): Uncertain significance. Review status: criteria provided, multiple submitters, no conflicts (2 of 4 stars). 2 submissions from 2 submitters: Uncertain significance (2). Last evaluated 2026-01-12.

Submissions (2):

Labcorp Genetics (formerly Invitae), Labcorp
Classification: Uncertain significance. Last evaluated: 2026-01-12. Review status: criteria provided, single submitter. Criteria: Invitae Variant Classification Sherloc (09022015). Collection method: clinical testing. Allele origin: germline.
Comment: This sequence change replaces threonine, which is neutral and polar, with arginine, which is basic and polar, at codon 332 of the CDH2 protein (p.Thr332Arg). This variant is not present in population databases (gnomAD no frequency). This variant has not been reported in the literature in individuals affected with CDH2-related conditions. ClinVar contains an entry for this variant (Variation ID: 3391561). An algorithm developed to predict the effect of missense changes on protein structure and function (PolyPhen-2) suggests that this variant is likely to be disruptive. In summary, the available evidence is currently insufficient to determine the role of this variant in disease. Therefore, it has been classified as a Variant of Uncertain Significance.

GeneDx
Classification: Uncertain significance. Last evaluated: 2024-06-13. Review status: criteria provided, single submitter. Criteria: GeneDx Variant Classification Process June 2021. Collection method: clinical testing. Allele origin: germline. Affected: yes.
Comment: Not observed at significant frequency in large population cohorts (gnomAD); In silico analysis supports that this missense variant has a deleterious effect on protein structure/function; Has not been previously published as pathogenic or benign to our knowledge

NM_001792.5(CDH2):c.995C>G (p.Thr332Arg)

Gene: CDH2 (cadherin 2; minus strand). Cytogenetic location: 18q12.1.
Variant type: single nucleotide variant.
Coding change: c.995C>G on transcript NM_001792.5 (MANE Select); coding-DNA position 995, C replaced by G.
Protein change: p.Thr332Arg; replaces threonine 332 with arginine.
Molecular consequence: missense variant.
Genome position (GRCh38, 1-based): chr18:28,003,022, G>C on the plus strand (C>G on the coding strand, the complement: CDH2 is on the minus strand). VCF-style: chr18-28003022-G-C. GRCh37 (hg19) VCF-style: chr18-25582986-G-C.
Other names: c.902C>G, p.Thr301Arg (NM_001308176.2); short protein forms T301R, T332R.
Identifiers: ClinVar variation 3391561 (VCV003391561.2).